The following is an entry in ClinVar:

NM_000368.5(TSC1):c.3439A>C (p.Ser1147Arg)

Gene: TSC1 (TSC complex subunit 1; minus strand). Cytogenetic location: 9q34.13.
Variant type: single nucleotide variant.
Coding change: c.3439A>C on transcript NM_000368.5 (MANE Select); coding-DNA position 3439, A replaced by C.
Protein change: p.Ser1147Arg; replaces serine 1147 with arginine.
Molecular consequence: missense variant. On other transcripts: non-coding transcript variant (5).
Genome position (GRCh38, 1-based): chr9:132,896,291, T>G on the plus strand (A>C on the coding strand, the complement: TSC1 is on the minus strand). VCF-style: chr9-132896291-T-G. GRCh37 (hg19) VCF-style: chr9-135771678-T-G.
Other names: c.3439A>C, p.Ser1147Arg (NM_001406593.1, NM_001406592.1, NM_001406594.1 and 2 more transcripts); c.3283A>C, p.Ser1095Arg (NM_001406612.1, NM_001406611.1); c.3241A>C, p.Ser1081Arg (NM_001406613.1); c.3076A>C, p.Ser1026Arg (NM_001406614.1, NM_001406615.1, NM_001406616.1 and 4 more transcripts); c.3073A>C, p.Ser1025Arg (NM_001406623.1, NM_001406621.1, NM_001406620.1 and 1 more transcripts); c.3034A>C, p.Ser1012Arg (NM_001406624.1); c.3436A>C, p.Ser1146Arg (NM_001162426.2, NM_001406597.1, NM_001406598.1 and 2 more transcripts); c.3286A>C, p.Ser1096Arg (NM_001162427.2, NM_001406610.1); and 8 more; short protein forms S1096R, S1146R, S1147R, S1011R, S1025R, S1095R, S1132R, S796R.
Identifiers: ClinVar variation 3329394 (VCV003329394.1).

ClinVar aggregate classification (germline): Uncertain significance (1 of 4 stars; one submission).

Conditions:
Hereditary cancer-predisposing syndrome. Also called: Neoplastic Syndromes, Hereditary; Tumor predisposition; Hereditary neoplastic syndrome; Hereditary Cancer Syndrome. Identifiers: Orphanet 140162, MedGen C0027672, MeSH D009386, MONDO:0015356.

Submission:

Ambry Genetics
Classification: Uncertain significance for Hereditary cancer-predisposing syndrome. Last evaluated: 2024-05-24. Review status: criteria provided, single submitter. Criteria: Ambry Variant Classification Scheme 2023. Collection method: clinical testing. Allele origin: germline.
Comment: The p.S1147R variant (also known as c.3439A>C), located in coding exon 21 of the TSC1 gene, results from an A to C substitution at nucleotide position 3439. The serine at codon 1147 is replaced by arginine, an amino acid with dissimilar properties. This amino acid position is conserved. In addition, the in silico prediction for this alteration is inconclusive. Based on the available evidence, the clinical significance of this variant remains unclear.